The following is an entry in ClinVar:

ClinVar aggregate classification (germline): Uncertain significance. Review status: criteria provided, multiple submitters, no conflicts (2 of 4 stars). 2 submissions from 2 submitters: Uncertain significance (2). Last evaluated 2025-11-20.

Conditions:
Sitosterolemia 1. Identifiers: MedGen C2749759, MONDO:0020747, OMIM 210250.

Allele frequency attached by ClinVar (database versions not stated): gnomAD exomes 0.00001; TOPMed 0.00002; gnomAD 0.00003.
gnomAD v4.1: 24 of 1,612,020 alleles (0.0015%); highest among the groups gnomAD compares: Non-Finnish European, 0.002%; no homozygotes.

Submissions (2):

Labcorp Genetics (formerly Invitae), Labcorp
Classification: Uncertain significance. Last evaluated: 2025-11-20. Review status: criteria provided, single submitter. Criteria: Invitae Variant Classification Sherloc (09022015). Collection method: clinical testing. Allele origin: germline.
Comment: This sequence change falls in intron 4 of the ABCG8 gene. It does not directly change the encoded amino acid sequence of the ABCG8 protein. This variant is present in population databases (no rsID available, gnomAD 0.002%). This variant has not been reported in the literature in individuals affected with ABCG8-related conditions. ClinVar contains an entry for this variant (Variation ID: 896541). Algorithms developed to predict the effect of sequence changes on RNA splicing suggest that this variant may disrupt the consensus splice site. In summary, the available evidence is currently insufficient to determine the role of this variant in disease. Therefore, it has been classified as a Variant of Uncertain Significance.

Illumina Laboratory Services, Illumina
Classification: Uncertain significance for Sitosterolemia 1. Last evaluated: 2018-01-13. Review status: criteria provided, single submitter. Criteria: ICSL Variant Classification Criteria 13 December 2019. Collection method: clinical testing. Allele origin: germline.

NM_022437.3(ABCG8):c.562-7C>A

Gene: ABCG8 (ATP binding cassette subfamily G member 8; plus strand). Cytogenetic location: 2p21.
Variant type: single nucleotide variant.
Coding change: c.562-7C>A on transcript NM_022437.3 (MANE Select); 7 bases into the intron before coding-DNA position 562, C replaced by A.
Molecular consequence: intron variant.
Genome position (GRCh38, 1-based): chr2:43,852,347, C>A. VCF-style: chr2-43852347-C-A. GRCh37 (hg19) VCF-style: chr2-44079486-C-A.
Other names: c.562-7C>A (NM_001357321.2).
Identifiers: ClinVar variation 896541 (VCV000896541.5), dbSNP rs1010371331, ClinGen allele CA46441172.